The following is an entry in ClinVar:

ClinVar aggregate classification (germline): Uncertain significance (1 of 4 stars; one submission).

Conditions:
Progressive myoclonic epilepsy type 7. Identifiers: Orphanet 435438, MedGen C4015420, MONDO:0014521, OMIM 616187.

Allele frequency attached by ClinVar (database versions not stated): gnomAD exomes below 0.00001.
gnomAD v4.1: 1 of 1,612,834 alleles (0.000062%); highest among the groups gnomAD compares: Non-Finnish European, 0.000085%; no homozygotes.

Submission:

Labcorp Genetics (formerly Invitae), Labcorp
Classification: Uncertain significance for Progressive myoclonic epilepsy type 7. Last evaluated: 2024-02-17. Review status: criteria provided, single submitter. Criteria: Invitae Variant Classification Sherloc (09022015). Collection method: clinical testing. Allele origin: germline.
Comment: This sequence change replaces histidine, which is basic and polar, with tyrosine, which is neutral and polar, at codon 45 of the KCNC1 protein (p.His45Tyr). This variant is present in population databases (no rsID available, gnomAD 0.01%). This variant has not been reported in the literature in individuals affected with KCNC1-related conditions. ClinVar contains an entry for this variant (Variation ID: 864788). Advanced modeling of protein sequence and biophysical properties (such as structural, functional, and spatial information, amino acid conservation, physicochemical variation, residue mobility, and thermodynamic stability) performed at Invitae indicates that this missense variant is not expected to disrupt KCNC1 protein function with a negative predictive value of 95%. In summary, the available evidence is currently insufficient to determine the role of this variant in disease. Therefore, it has been classified as a Variant of Uncertain Significance.

NM_001112741.2(KCNC1):c.133C>T (p.His45Tyr)

Gene: KCNC1 (potassium voltage-gated channel subfamily C member 1; plus strand). Cytogenetic location: 11p15.1.
Variant type: single nucleotide variant.
Coding change: c.133C>T on transcript NM_001112741.2 (MANE Select); coding-DNA position 133, C replaced by T.
Protein change: p.His45Tyr; replaces histidine 45 with tyrosine.
Molecular consequence: missense variant.
Genome position (GRCh38, 1-based): chr11:17,736,135, C>T. VCF-style: chr11-17736135-C-T. GRCh37 (hg19) VCF-style: chr11-17757682-C-T.
Other names: c.133C>T, p.His45Tyr (NM_004976.4); short protein forms H45Y.
Identifiers: ClinVar variation 864788 (VCV000864788.10), dbSNP rs1470613305, ClinGen allele CA379799201.